The following is an entry in ClinVar:

NM_019892.6(INPP5E):c.*98G>A

Gene: INPP5E (inositol polyphosphate-5-phosphatase E; minus strand). Cytogenetic location: 9q34.3.
Variant type: single nucleotide variant.
Coding change: c.*98G>A on transcript NM_019892.6 (MANE Select); 98 bases downstream of the stop codon, G replaced by A.
Molecular consequence: 3 prime UTR variant.
Genome position (GRCh38, 1-based): chr9:136,429,577, C>T on the plus strand (G>A on the coding strand, the complement: INPP5E is on the minus strand). VCF-style: chr9-136429577-C-T. GRCh37 (hg19) VCF-style: chr9-139324029-C-T.
Other names: c.*98G>A (NM_001318502.2).
Identifiers: ClinVar variation 365877 (VCV000365877.7), dbSNP rs35873563, ClinGen allele CA10633250.
Genomic context (GRCh38, chr9:136,429,577, plus strand): 5'-CGCTCAGGGTTGGCTTCCTTCCTGGGACGCTGGCACAGAGGCACGGTCGCCACAGTCCCT[C>T]GGATCCCCGAAAGGCGGCAAACTCTTTGTCCTTCCCAGTGGGTTTTGATCAATACAATCA-3'

ClinVar aggregate classification (germline): Benign/Likely benign. Review status: criteria provided, multiple submitters, no conflicts (2 of 4 stars). 3 submissions from 3 submitters: Benign (1); Likely benign (2). Last evaluated 2018-06-26.

Conditions:
Joubert syndrome 1 (JBTS1). Also called: Cerebellooculorenal syndrome 1; CEREBELLOPARENCHYMAL DISORDER IV. Identifiers: MedGen C4551568, MONDO:0008944, OMIM 213300.

Allele frequency attached by ClinVar (database versions not stated): 1000 Genomes Project 30x 0.14991; gnomAD 0.20417 and 0.20643; 1000 Genomes Project 0.14836; TOPMed 0.19610.

Submissions (3):

GeneDx
Classification: Benign. Last evaluated: 2018-06-26. Review status: criteria provided, single submitter. Criteria: GeneDx Variant Classification Process June 2021. Collection method: clinical testing. Allele origin: germline. Affected: yes.

Illumina Laboratory Services, Illumina
Classification: Likely benign for Joubert syndrome 1. Last evaluated: 2017-04-27. Review status: criteria provided, single submitter. Criteria: ICSL Variant Classification Criteria 13 December 2019. Collection method: clinical testing. Allele origin: germline.
Comment: This variant was observed as part of a predisposition screen in an ostensibly healthy population. A literature search was performed for the gene, cDNA change, and amino acid change (where applicable). No publications were found based on this search. Allele frequency data from public databases allowed determination this variant is unlikely to cause disease. Therefore, this variant is classified as likely benign.

Breakthrough Genomics
Classification: Likely benign. Review status: criteria provided, single submitter. Criteria: ACMG Guidelines, 2015. Collection method: not provided. Allele origin: germline. Inheritance: Autosomal recessive inheritance. Affected: yes.